The following is an entry in ClinVar:

ClinVar aggregate classification (germline): Uncertain significance (1 of 4 stars; one submission).

Conditions:
Multiple endocrine neoplasia, type 1 (MEN1). Also called: Endocrine adenomatosis multiple; MEN 1; MEA I; MEN I; WERMER SYNDROME. Identifiers: Orphanet 652, MedGen C0025267, MeSH D018761, MONDO:0007540, OMIM 131100.

Submission:

Color Diagnostics, LLC DBA Color Health
Classification: Uncertain significance for Multiple endocrine neoplasia, type 1. Last evaluated: 2025-07-03. Review status: criteria provided, single submitter. Criteria: ACMG Guidelines, 2015. Collection method: clinical testing. Allele origin: germline.
Comment: This missense variant replaces glycine with aspartic acid at codon 149 of the MEN1 protein. Computational prediction suggests that this variant may have deleterious impact on protein structure and function. To our knowledge, functional studies have not been reported for this variant. This variant has not been reported in individuals affected with MEN1-related disorders in the literature. This variant has not been identified in the general population by the Genome Aggregation Database (gnomAD). The available evidence is insufficient to determine the role of this variant in disease conclusively. Therefore, this variant is classified as a Variant of Uncertain Significance.

NM_001370259.2(MEN1):c.446G>A (p.Gly149Asp)

Gene: MEN1 (menin 1; minus strand). Cytogenetic location: 11q13.1.
Variant type: single nucleotide variant.
Coding change: c.446G>A on transcript NM_001370259.2 (MANE Select); coding-DNA position 446, G replaced by A.
Protein change: p.Gly149Asp; replaces glycine 149 with aspartic acid.
Molecular consequence: missense variant. On other transcripts: non-coding transcript variant (4).
Genome position (GRCh38, 1-based): chr11:64,808,099, C>T on the plus strand (G>A on the coding strand, the complement: MEN1 is on the minus strand). VCF-style: chr11-64808099-C-T. GRCh37 (hg19) VCF-style: chr11-64575571-C-T.
Other names: c.461G>A, p.Gly154Asp (NM_000244.4, NM_001407145.1, NM_001407150.1 and 5 more transcripts); c.446G>A, p.Gly149Asp (NM_001370251.2, NM_001370260.2, NM_001370261.2 and 12 more transcripts); short protein forms G149D, G154D.
Identifiers: ClinVar variation 4757409 (VCV004757409.1).